The following is an entry in ClinVar:

NM_025074.7(FRAS1):c.2080G>A (p.Glu694Lys)

Gene: FRAS1 (Fraser extracellular matrix complex subunit 1; plus strand). Cytogenetic location: 4q21.21.
Variant type: single nucleotide variant.
Coding change: c.2080G>A on transcript NM_025074.7 (MANE Select); coding-DNA position 2080, G replaced by A.
Protein change: p.Glu694Lys; replaces glutamic acid 694 with lysine.
Molecular consequence: missense variant.
Genome position (GRCh38, 1-based): chr4:78,318,929, G>A. VCF-style: chr4-78318929-G-A. GRCh37 (hg19) VCF-style: chr4-79240083-G-A.
Other names: c.2080G>A, p.Glu694Lys (NM_001166133.2); short protein forms E694K.
Identifiers: ClinVar variation 1343712 (VCV001343712.6), dbSNP rs773007418, ClinGen allele CA2976548.

ClinVar aggregate classification (germline): Uncertain significance. Review status: criteria provided, multiple submitters, no conflicts (2 of 4 stars). 4 submissions from 4 submitters: Uncertain significance (4). Last evaluated 2024-02-16.

Conditions:
Inborn genetic diseases. Identifiers: MedGen C0950123, MeSH D030342.
Fraser syndrome 1 (FRASRS1). Also called: CRYPTOPHTHALMOS WITH OTHER MALFORMATIONS. Identifiers: Orphanet 2052, MedGen C4551480, MONDO:0054737, OMIM 219000.

Allele frequency attached by ClinVar (database versions not stated): gnomAD 0.00003 and 0.00004; TOPMed 0.00009.
gnomAD v4.1: 72 of 1,613,974 alleles (0.0045%); highest among the groups gnomAD compares: South Asian, 0.033%; no homozygotes.

Submissions (4):

Fulgent Genetics
Classification: Uncertain significance for Fraser syndrome 1. Last evaluated: 2024-02-16. Review status: criteria provided, single submitter. Criteria: ACMG Guidelines, 2015. Collection method: clinical testing. Allele origin: germline.

Ambry Genetics
Classification: Uncertain significance for Inborn genetic diseases. Last evaluated: 2024-01-17. Review status: criteria provided, single submitter. Criteria: Ambry Variant Classification Scheme 2023. Collection method: clinical testing. Allele origin: germline.

Labcorp Genetics (formerly Invitae), Labcorp
Classification: Uncertain significance. Last evaluated: 2022-07-02. Review status: criteria provided, single submitter. Criteria: Invitae Variant Classification Sherloc (09022015). Collection method: clinical testing. Allele origin: germline.
Comment: This sequence change replaces glutamic acid, which is acidic and polar, with lysine, which is basic and polar, at codon 694 of the FRAS1 protein (p.Glu694Lys). This variant is present in population databases (rs773007418, gnomAD 0.02%). This variant has not been reported in the literature in individuals affected with FRAS1-related conditions. ClinVar contains an entry for this variant (Variation ID: 1343712). Algorithms developed to predict the effect of missense changes on protein structure and function output the following: SIFT: "Tolerated"; PolyPhen-2: "Benign"; Align-GVGD: "Class C0". The lysine amino acid residue is found in multiple mammalian species, which suggests that this missense change does not adversely affect protein function. In summary, the available evidence is currently insufficient to determine the role of this variant in disease. Therefore, it has been classified as a Variant of Uncertain Significance.

Women's Health and Genetics/Laboratory Corporation of America, LabCorp
Classification: Uncertain significance. Last evaluated: 2022-02-17. Review status: criteria provided, single submitter. Criteria: LabCorp Variant Classification Summary - May 2015. Collection method: clinical testing. Allele origin: germline.